The following is an entry in ClinVar:

NM_201384.3(PLEC):c.7886G>A (p.Gly2629Asp)

Gene: PLEC (plectin; minus strand). Cytogenetic location: 8q24.3.
Variant type: single nucleotide variant.
Coding change: c.7886G>A on transcript NM_201384.3 (MANE Select); coding-DNA position 7886, G replaced by A.
Protein change: p.Gly2629Asp; replaces glycine 2629 with aspartic acid.
Molecular consequence: missense variant.
Genome position (GRCh38, 1-based): chr8:143,921,935, C>T on the plus strand (G>A on the coding strand, the complement: PLEC is on the minus strand). VCF-style: chr8-143921935-C-T. GRCh37 (hg19) VCF-style: chr8-144996103-C-T.
Other names: c.7967G>A, p.Gly2656Asp (NM_000445.5); c.4586G>A, p.Gly1529Asp (NM_001410941.1); c.7844G>A, p.Gly2615Asp (NM_201378.4); c.7820G>A, p.Gly2607Asp (NM_201379.3); c.8297G>A, p.Gly2766Asp (NM_201380.4); c.7790G>A, p.Gly2597Asp (NM_201381.3); c.7886G>A, p.Gly2629Asp (NM_201382.4); c.7898G>A, p.Gly2633Asp (NM_201383.3); short protein forms G2597D, G2607D, G2633D, G1529D, G2656D, G2629D, G2615D, G2766D.
Identifiers: ClinVar variation 4783918 (VCV004783918.1).
Genomic context (GRCh38, chr8:143,921,935, plus strand): 5'-AGGCCATCGAAGCTGTGCTCCGGCTCTGCCTCTGCCGCGGGGCCATCAAGTGCATCCCGG[C>T]CATTGGGCAGGGTCTTTGTGGCAGCCACCTGCGAGGCAGTGACCTCCTCTGAGTGCGCCA-3'
Protein context (NP_958786.1, residues 2619-2639): QVAATKTLPN[Gly2629Asp]RDALDGPAAE

ClinVar aggregate classification (germline): Uncertain significance (1 of 4 stars; one submission).

Conditions:
Epidermolysis bullosa simplex with nail dystrophy (EBS5D). Identifiers: MedGen C4225309, MONDO:0014661, OMIM 616487.
Epidermolysis bullosa simplex, Ogna type (EBS5A). Also called: Pidermolysis bullosa simplex 5A, Ogna type; EPIDERMOLYSIS BULLOSA SIMPLEX 5A, OGNA TYPE. Identifiers: Orphanet 79401, MedGen C0432317, MONDO:0007555, OMIM 131950.
Epidermolysis bullosa simplex 5B, with muscular dystrophy (EBS5B). Also called: Epidermolysis bullosa simplex with muscular dystrophy; EPIDERMOLYSIS BULLOSA SIMPLEX AND LIMB-GIRDLE MUSCULAR DYSTROPHY. Identifiers: Orphanet 257, MedGen C2931072, MONDO:0009181, OMIM 226670.
Autosomal recessive limb-girdle muscular dystrophy type 2Q (LGMDR17). Also called: MUSCULAR DYSTROPHY, LIMB-GIRDLE, AUTOSOMAL RECESSIVE 17. Identifiers: Orphanet 254361, MedGen C3150989, MONDO:0013390, OMIM 613723.
Epidermolysis bullosa simplex 5C, with pyloric atresia (EBS5C). Also called: PLEC-Related Epidermolysis Bullosa with Pyloric Atresia; Epidermolysis bullosa simplex with pyloric atresia; PLEC1-Related Epidermolysis Bullosa with Pyloric Atresia. Identifiers: Orphanet 158684, MedGen C2677349, MONDO:0012807, OMIM 612138.

Submission:

Labcorp Genetics (formerly Invitae), Labcorp
Classification: Uncertain significance for Autosomal recessive limb-girdle muscular dystrophy type 2Q; Epidermolysis bullosa simplex, Ogna type; Epidermolysis bullosa simplex with nail dystrophy; Epidermolysis bullosa simplex 5C, with pyloric atresia; Epidermolysis bullosa simplex 5B, with muscular dystrophy. Last evaluated: 2025-07-21. Review status: criteria provided, single submitter. Criteria: Invitae Variant Classification Sherloc (09022015). Collection method: clinical testing. Allele origin: germline.
Comment: This sequence change replaces glycine, which is neutral and non-polar, with aspartic acid, which is acidic and polar, at codon 2656 of the PLEC protein (p.Gly2656Asp). This variant is not present in population databases (gnomAD no frequency). This variant has not been reported in the literature in individuals affected with PLEC-related conditions. An algorithm developed to predict the effect of missense changes on protein structure and function (PolyPhen-2) suggests that this variant is likely to be disruptive. In summary, the available evidence is currently insufficient to determine the role of this variant in disease. Therefore, it has been classified as a Variant of Uncertain Significance.